The following is an entry in ClinVar:

ClinVar aggregate classification (germline): Likely pathogenic. Review status: criteria provided, multiple submitters, no conflicts (2 of 4 stars). 2 submissions from 2 submitters: Likely pathogenic (2). Last evaluated 2016-05-20.

Conditions:
Marfan Syndrome/Loeys-Dietz Syndrome/Familial Thoracic Aortic Aneurysms and Dissections. Identifiers: MedGen CN229799.

Submissions (2):

Women's Health and Genetics/Laboratory Corporation of America, LabCorp
Classification: Likely pathogenic for Marfan Syndrome/Loeys-Dietz Syndrome/Familial Thoracic Aortic Aneurysms and Dissections. Last evaluated: 2016-05-20. Review status: criteria provided, single submitter. Criteria: LabCorp Variant Classification Summary - May 2015. Collection method: clinical testing. Allele origin: germline.
Comment: Variant summary: The FBN1 c.7432_7435delGAGG (p.Glu2478Metfs) variant results in a premature termination codon, predicted to cause a truncated or absent FBN1 protein due to nonsense mediated decay, which are commonly known mechanisms for disease. Truncations downstream of this position have been classified as pathogenic by our laboratory (e.g. p.Arg2776X), and numerous nonsense variants downstream of this variant have been cited in MFS patients in the literature (HGMD: p.R2694*, p.Q2683*, p.Q2683*, etc). One in silico tool predicts a damaging outcome for this variant. This variant was found in 1/121380 control chromosomes, and has not, to our knowledge, been reported in affected individuals via publications and/or reputable databases/clinical diagnostic laboratories; nor evaluated for functional impact by in vivo/vitro studies. Taken together, this variant is classified as Likely Pathogenic.

GeneDx
Classification: Likely pathogenic. Last evaluated: 2015-12-22. Review status: criteria provided, single submitter. Criteria: GeneDx Variant Classification (06012015). Collection method: clinical testing. Allele origin: germline. Affected: yes.
Comment: Although the likely pathogenic c.7432_7435delGAGG variant in the FBN1 gene has not been reported to our knowledge, this variant causes a shift in reading frame starting at codon Glutamic acid 2478,changing it to a Methionine, and creating a premature stop codon at position 203 of the new readingframe, denoted p.Glu2478MetfsX203. This likely pathogenic variant is expected to result in either anabnormal, truncated protein product or loss of protein from this allele through nonsense-mediatedmRNA decay. Multiple other downstream frameshift variants in the FBN1 gene have been reported inHGMD in association with Marfan syndrome (Stenson et al., 2014). Furthermore, thec.7432_7435delGAGG variant was not observed in approximately 6,500 individuals of European and African American ancestry in the NHLBI Exome Sequencing Project, indicating it is not a common benign variant in these populations. In summary, c.7432_7435delGAGG in the FBN1 gene is expected to be pathogenic.

NM_000138.5(FBN1):c.7432_7435del (p.Glu2478fs)

Gene: FBN1 (fibrillin 1; minus strand). Cytogenetic location: 15q21.1.
Variant type: Deletion.
Coding change: c.7432_7435del on transcript NM_000138.5 (MANE Select); coding-DNA positions 7432 to 7435, 4 bases deleted (GAGG; older notation c.7432_7435delGAGG).
Protein change: p.Glu2478fs; shifts the reading frame from glutamic acid 2478.
Molecular consequence: frameshift variant.
Genome position (GRCh38, 1-based): chr15:48,425,387-48,425,390, CCTC deleted on the plus strand (GAGG on the coding strand, the reverse complement: FBN1 is on the minus strand). VCF-style (leftmost placement, unchanged base first): chr15-48425386-TCCTC-T. GRCh37 (hg19) VCF-style: chr15-48717583-TCCTC-T.
Other names: c.7432_7435delGAGG (NM_000138.4); short protein forms E2478fs.
Identifiers: ClinVar variation 372834 (VCV000372834.1), dbSNP rs1057518012, ClinGen allele CA16043002.